The following is an entry in ClinVar:

ClinVar aggregate classification (germline): Uncertain significance. Review status: criteria provided, single submitter (1 of 4 stars). 2 submissions from 2 submitters: Uncertain significance (1). 1 of the submissions does not count toward it. Last evaluated 2025-08-29.

Conditions:
Hypertrophic cardiomyopathy 14. Identifiers: MedGen C2750467, MONDO:0013197, OMIM 613251.
Wolff-Parkinson-White pattern. Also called: WPW SYNDROME; Auriculoventricular accessory pathway syndrome; False bundle branch block syndrome; Anomalous ventricular excitation syndrome. Identifiers: MedGen C0043202, MONDO:0008685, OMIM 194200, HP:0001716.

Allele frequency attached by ClinVar (database versions not stated): TOPMed 0.00002.
gnomAD v4.1: 7 of 1,613,938 alleles (0.00043%); highest among the groups gnomAD compares: African/African-American, 0.0093%; no homozygotes.

Submissions (2):

Labcorp Genetics (formerly Invitae), Labcorp
Classification: Uncertain significance for Hypertrophic cardiomyopathy 14. Last evaluated: 2025-08-29. Review status: criteria provided, single submitter. Criteria: Invitae Variant Classification Sherloc (09022015). Collection method: clinical testing. Allele origin: germline.
Comment: This sequence change replaces arginine, which is basic and polar, with leucine, which is neutral and non-polar, at codon 1477 of the MYH6 protein (p.Arg1477Leu). This variant is present in population databases (no rsID available, gnomAD 0.008%). This missense change has been observed in individual(s) with Wolff-Parkinson-White syndrome (PMID: 32233023). ClinVar contains an entry for this variant (Variation ID: 487615). Invitae Evidence Modeling of protein sequence and biophysical properties (such as structural, functional, and spatial information, amino acid conservation, physicochemical variation, residue mobility, and thermodynamic stability) indicates that this missense variant is expected to disrupt MYH6 protein function with a positive predictive value of 80%. In summary, the available evidence is currently insufficient to determine the role of this variant in disease. Therefore, it has been classified as a Variant of Uncertain Significance.

Lupski Lab, Baylor-Hopkins CMG, Baylor College of Medicine
Classification: Uncertain significance for Wolff-Parkinson-White pattern. Last evaluated: 2017-07-14. Review status: no assertion criteria provided. Collection method: research. Allele origin: unknown. Affected: yes. Observed: 1 variant allele. Study: Candidate_variants_in_patients_with_ Wolff-Parkinson-White Syndrome. Not counted in ClinVar's aggregate classification.

Literature cited by the submitters: PubMed 32233023 (cited by Labcorp Genetics (formerly Invitae), Labcorp).

NM_002471.4(MYH6):c.4430G>T (p.Arg1477Leu)

Gene: MYH6 (myosin heavy chain 6; minus strand). Cytogenetic location: 14q11.2.
Variant type: single nucleotide variant.
Coding change: c.4430G>T on transcript NM_002471.4 (MANE Select); coding-DNA position 4430, G replaced by T.
Protein change: p.Arg1477Leu; replaces arginine 1477 with leucine.
Molecular consequence: missense variant.
Genome position (GRCh38, 1-based): chr14:23,387,853, C>A on the plus strand (G>T on the coding strand, the complement: MYH6 is on the minus strand). VCF-style: chr14-23387853-C-A. GRCh37 (hg19) VCF-style: chr14-23857062-C-A.
Other names: short protein forms R1477L.
Identifiers: ClinVar variation 487615 (VCV000487615.11), dbSNP rs147586142, ClinGen allele CA257780366.